The following is an entry in ClinVar:

ClinVar aggregate classification (germline): Pathogenic (1 of 4 stars; one submission).

Conditions:
Ectodermal dysplasia 10A, hypohidrotic/hair/nail type, autosomal dominant (ECTD10A). Also called: Ectodermal Dysplasia 3, Anhidrotic. Identifiers: Orphanet 1810, Orphanet 238468, MedGen C3888065, MONDO:0007509, OMIM 129490.
Autosomal recessive hypohidrotic ectodermal dysplasia syndrome. Also called: Autosomal recessive hypohidrotic ectodermal dysplasia. Identifiers: Orphanet 248, MedGen C0406702, MONDO:0016619.

Submission:

Labcorp Genetics (formerly Invitae), Labcorp
Classification: Pathogenic for Ectodermal dysplasia 10A, hypohidrotic/hair/nail type, autosomal dominant; Autosomal recessive hypohidrotic ectodermal dysplasia syndrome. Last evaluated: 2021-07-22. Review status: criteria provided, single submitter. Criteria: Invitae Variant Classification Sherloc (09022015). Collection method: clinical testing. Allele origin: germline.
Comment: This sequence change creates a premature translational stop signal (p.Ser366*) in the EDAR gene. While this is not anticipated to result in nonsense mediated decay, it is expected to disrupt the last 83 amino acid(s) of the EDAR protein. This variant is not present in population databases (ExAC no frequency). For these reasons, this variant has been classified as Pathogenic. This variant disrupts a region of the EDAR protein in which other variant(s) (p.Gly382Ser) have been determined to be pathogenic (PMID: 16029325, 22032522). This suggests that this is a clinically significant region of the protein, and that variants that disrupt it are likely to be disease-causing. This variant has not been reported in the literature in individuals affected with EDAR-related conditions.

Literature cited by the submitters: PubMed 16029325; PubMed 22032522.

NM_022336.4(EDAR):c.1097_1098del (p.Asn365_Ser366insTer)

Genes: EDAR (ectodysplasin A receptor; minus strand), RANBP2 (RAN binding protein 2; plus strand). Cytogenetic location: 2q13.
Variant type: Microsatellite.
Coding change: c.1097_1098del on transcript NM_022336.4 (MANE Select); coding-DNA positions 1097 to 1098, 2 bases deleted (CT; older notation c.1097_1098delCT).
Protein change: p.Asn365_Ser366insTer.
Molecular consequence: nonsense.
Genome position (GRCh38, 1-based): chr2:108,897,156-108,897,157, AG deleted on the plus strand (CT on the coding strand, the reverse complement: EDAR is on the minus strand); deleting any 2 consecutive bases within chr2:108,897,156-108,897,159 gives the same sequence; the c. name uses the placement nearest the transcript's 3' end. VCF-style (leftmost placement, unchanged base first): chr2-108897155-CAG-C. GRCh37 (hg19) VCF-style: chr2-109513611-CAG-C.
Identifiers: ClinVar variation 1452944 (VCV001452944.6), dbSNP rs2105371772, ClinGen allele CA2580611686.